The following is an entry in ClinVar:

NM_001267550.2(TTN):c.97673G>A (p.Arg32558Gln)

Genes: TTN-AS1 (TTN antisense RNA 1; plus strand), TTN (titin; minus strand). Cytogenetic location: 2q31.2.
Variant type: single nucleotide variant.
Coding change: c.97673G>A on transcript NM_001267550.2 (MANE Select); coding-DNA position 97673, G replaced by A.
Protein change: p.Arg32558Gln; replaces arginine 32558 with glutamine.
Molecular consequence: missense variant.
Genome position (GRCh38, 1-based): chr2:178,541,404, C>T on the plus strand (G>A on the coding strand, the complement: TTN is on the minus strand). VCF-style: chr2-178541404-C-T. GRCh37 (hg19) VCF-style: chr2-179406131-C-T.
Other names: p.Arg29990Gln; c.92750G>A, p.Arg30917Gln (NM_001256850.1); c.70478G>A, p.Arg23493Gln (NM_003319.4); c.89969G>A, p.Arg29990Gln (NM_133378.4); c.70853G>A, p.Arg23618Gln (NM_133432.3); c.71054G>A, p.Arg23685Gln (NM_133437.4); short protein forms R32558Q, R29990Q, R30917Q, R23493Q, R23618Q, R23685Q.
Identifiers: ClinVar variation 130685 (VCV000130685.19), dbSNP rs369237346, ClinGen allele CA231611.

ClinVar aggregate classification (germline): Conflicting classifications of pathogenicity. Review status: criteria provided, conflicting classifications (1 of 4 stars). 7 submissions from 7 submitters: Uncertain significance (6); Likely benign (1). Last evaluated 2025-05-23.

Conditions:
Cardiomyopathy (CMYO). Also called: Cardiomyopathies. Identifiers: Orphanet 167848, MedGen C0878544, MONDO:0004994, HP:0001638. Inheritance: Various modes of inheritance.

Allele frequency attached by ClinVar (database versions not stated): ESP Exome Variant Server 0.00008; gnomAD exomes 0.00012 and 0.00014; TOPMed 0.00006; ExAC 0.00010; gnomAD 0.00001.
gnomAD v4.1: 197 of 1,612,514 alleles (0.012%); highest among the groups gnomAD compares: South Asian, 0.041%; no homozygotes.

Submissions (7):

Women's Health and Genetics/Laboratory Corporation of America, LabCorp
Classification: Uncertain significance. Last evaluated: 2025-05-23. Review status: criteria provided, single submitter. Criteria: LabCorp Variant Classification Summary - May 2015. Collection method: clinical testing. Allele origin: germline.
Comment: Variant summary: TTN c.89969G>A (p.Arg29990Gln) results in a conservative amino acid change in the encoded protein sequence. Algorithms developed to predict the effect of missense changes on protein structure and function are either unavailable or do not agree on the potential impact of this missense change. The variant allele was found at a frequency of 0.00012 in 247246 control chromosomes (gnomAD). This frequency is not significantly higher than estimated for a pathogenic variant in TTN causing Dilated Cardiomyopathy (0.00012 vs 0.00039), allowing no conclusion about variant significance. c.89969G>A has been observed in one individual affected with sudden unexplained death (Campuzano_2015). The report does not provide unequivocal conclusions about association of the variant with Dilated Cardiomyopathy. To our knowledge, no experimental evidence demonstrating an impact on protein function has been reported. The following publication have been ascertained in the context of this evaluation (PMID: 26516846). ClinVar contains an entry for this variant (Variation ID: 130685). Based on the evidence outlined above, the variant was classified as uncertain significance.

Mayo Clinic Laboratories, Mayo Clinic
Classification: Uncertain significance. Last evaluated: 2025-04-14. Review status: criteria provided, single submitter. Criteria: ACMG Guidelines, 2015. Collection method: clinical testing. Allele origin: germline. Observed: 1 variant allele.

GeneDx
Classification: Likely benign. Last evaluated: 2020-01-24. Review status: criteria provided, single submitter. Criteria: GeneDx Variant Classification Process June 2021. Collection method: clinical testing. Allele origin: germline. Affected: yes.

Revvity Omics, Revvity
Classification: Uncertain significance. Last evaluated: 2019-11-05. Review status: criteria provided, single submitter. Criteria: ACMG Guidelines, 2015. Collection method: clinical testing. Allele origin: germline.

Eurofins Ntd Llc (ga)
Classification: Uncertain significance. Last evaluated: 2017-10-04. Review status: criteria provided, single submitter. Criteria: EGL Classification Definitions 2015. Collection method: clinical testing. Allele origin: germline. Observed: 2 variant alleles, 2 heterozygotes.

CHEO Genetics Diagnostic Laboratory, Children's Hospital of Eastern Ontario
Classification: Uncertain significance for Cardiomyopathy. Last evaluated: 2017-09-05. Review status: criteria provided, single submitter. Criteria: ACMG Guidelines, 2015. Collection method: clinical testing. Allele origin: germline. Study: Canadian Open Genetics Repository.

Genetic Services Laboratory, University of Chicago
Classification: Uncertain significance. Last evaluated: 2014-01-24. Review status: criteria provided, single submitter. Criteria: ACMG Guidelines, 2007. Collection method: clinical testing. Allele origin: germline.

Literature cited by the submitters: PubMed 26516846 (cited by Women's Health and Genetics/Laboratory Corporation of America, LabCorp).